The following is an entry in ClinVar:

NM_000059.4(BRCA2):c.4092_4093insAA (p.Cys1365fs)

Gene: BRCA2 (BRCA2 DNA repair associated; plus strand). Cytogenetic location: 13q13.1.
Variant type: Insertion.
Coding change: c.4092_4093insAA on transcript NM_000059.4 (MANE Select); coding-DNA positions 4092 to 4093, AA inserted.
Protein change: p.Cys1365fs; shifts the reading frame from cysteine 1365.
Molecular consequence: frameshift variant.
Genome position: GRCh38 VCF-style: chr13-32338446-T-TAA. GRCh37 (hg19) VCF-style: chr13-32912583-T-TAA.
Other names: short protein forms C1365fs.
Identifiers: ClinVar variation 230007 (VCV000230007.14), dbSNP rs876658329, ClinGen allele CA10579601.
Genomic context (GRCh38, chr13:32,338,446, plus strand): 5'-ATGATACTGTTTGTATTCATAAAGATGAAACGGACTTGCTATTTACTGATCAGCACAACA[T>TAA]ATGTCTTAAATTATCTGGCCAGTTTATGAAGGAGGGAAACACTCAGATTAAAGAAGATTT-3'

ClinVar aggregate classification (germline): Pathogenic. Review status: reviewed by expert panel (3 of 4 stars). 5 submissions from 5 submitters: Pathogenic (1). 4 of the submissions do not count toward it. Last evaluated 2017-12-15.

Conditions:
Hereditary cancer-predisposing syndrome. Also called: Hereditary Cancer Syndrome; Neoplastic Syndromes, Hereditary; Tumor predisposition; Hereditary neoplastic syndrome. Identifiers: Orphanet 140162, MedGen C0027672, MeSH D009386, MONDO:0015356.
Breast-ovarian cancer, familial, susceptibility to, 2 (BROVCA2). Also called: BRCA2 Hereditary Breast and Ovarian Cancer. Identifiers: Orphanet 145, MedGen C2675520, MONDO:0012933, OMIM 612555. Disease mechanism: loss of function.
Hereditary breast ovarian cancer syndrome. Also called: Hereditary breast and/or ovarian cancer syndrome; BRCA1- and BRCA2-Associated Hereditary Breast and Ovarian Cancer; Hereditary breast and ovarian cancer syndrome (HBOC); Hereditary breast and ovarian cancer; Hereditary breast and ovarian cancer syndrome; Breast and ovarian cancer. Identifiers: Orphanet 145, MedGen C0677776, MeSH D061325, MONDO:0003582. Disease mechanism: loss of function.

Submissions (5):

Evidence-based Network for the Interpretation of Germline Mutant Alleles (ENIGMA)
Classification: Pathogenic for Breast-ovarian cancer, familial, susceptibility to, 2. Last evaluated: 2017-12-15. Review status: reviewed by expert panel. Criteria: ENIGMA BRCA1/2 Classification Criteria (2017-06-29). Collection method: curation. Allele origin: germline. Study: ENIGMA.
Comment: Variant allele predicted to encode a truncated non-functional protein.

Labcorp Genetics (formerly Invitae), Labcorp
Classification: Pathogenic for Hereditary breast ovarian cancer syndrome. Last evaluated: 2025-05-25. Review status: criteria provided, single submitter. Criteria: Invitae Variant Classification Sherloc (09022015). Collection method: clinical testing. Allele origin: germline. Not counted in ClinVar's aggregate classification.
Comment: This sequence change creates a premature translational stop signal (p.Cys1365Asnfs*10) in the BRCA2 gene. It is expected to result in an absent or disrupted protein product. Loss-of-function variants in BRCA2 are known to be pathogenic (PMID: 20104584). This variant is not present in population databases (gnomAD no frequency). This variant has not been reported in the literature in individuals affected with BRCA2-related conditions. ClinVar contains an entry for this variant (Variation ID: 230007). For these reasons, this variant has been classified as Pathogenic.

Quest Diagnostics Nichols Institute San Juan Capistrano
Classification: Likely pathogenic. Last evaluated: 2023-05-12. Review status: criteria provided, single submitter. Criteria: Quest Diagnostics criteria. Collection method: clinical testing. Allele origin: unknown. Not counted in ClinVar's aggregate classification.
Comment: This variant alters the translational reading frame of the BRCA2 mRNA and is predicted to cause the premature termination of BRCA2 protein synthesis. This variant has not been reported in the published literature. It also has not been reported in large, multi-ethnic general populations (Genome Aggregation Database). Based on the available information, this variant is classified as likely pathogenic.

Ambry Genetics
Classification: Pathogenic for Hereditary cancer-predisposing syndrome. Last evaluated: 2022-09-07. Review status: criteria provided, single submitter. Criteria: Ambry Variant Classification Scheme 2023. Collection method: clinical testing. Allele origin: germline. Not counted in ClinVar's aggregate classification.
Comment: The c.4092_4093insAA pathogenic mutation, located in coding exon 10 of the BRCA2 gene, results from an insertion of two nucleotides at position 4092, causing a translational frameshift with a predicted alternate stop codon (p.C1365Nfs*10). This variant is considered to be rare based on population cohorts in the Genome Aggregation Database (gnomAD). This alteration is expected to result in loss of function by premature protein truncation or nonsense-mediated mRNA decay. As such, this alteration is interpreted as a disease-causing mutation.

Women's Health and Genetics/Laboratory Corporation of America, LabCorp
Classification: Likely pathogenic for Hereditary breast ovarian cancer syndrome. Last evaluated: 2017-01-10. Review status: criteria provided, single submitter. Criteria: LabCorp Variant Classification Summary - May 2015. Collection method: clinical testing. Allele origin: germline. Not counted in ClinVar's aggregate classification.
Comment: Variant summary: The BRCA2 c.4092_4093insAA (p.Cys1365Asnfs) variant results in a premature termination codon, predicted to cause a truncated or absent BRCA2 protein due to nonsense mediated decay, which are commonly known mechanisms for disease. Truncations downstream of this position have been classified as pathogenic by our laboratory (e.g.c.4127_4130delGAAA/p.Gly1376fs). One in silico tool predicts a damaging outcome for this variant. 5/5 splice prediction tools predict no significant impact on normal splicing. ESE finder predicts that this variant may affect ESE site of SRp55. However, these predictions have yet to be confirmed by functional studies. This variant is absent in 120880 control chromosomes. In addition, one clinical diagnostic laboratory classified this variant as pathogenic. Taken together, this variant is classified as likely pathogenic.

Literature cited by the submitters: PubMed 20104584 (cited by Labcorp Genetics (formerly Invitae), Labcorp); PubMed 25371446 (cited by Women's Health and Genetics/Laboratory Corporation of America, LabCorp).